The following is an entry in ClinVar:

NM_144687.4(NLRP12):c.160C>G (p.Leu54Val)

Gene: NLRP12 (NLR family pyrin domain containing 12; minus strand). Cytogenetic location: 19q13.42.
Variant type: single nucleotide variant.
Coding change: c.160C>G on transcript NM_144687.4 (MANE Select); coding-DNA position 160, C replaced by G.
Protein change: p.Leu54Val; replaces leucine 54 with valine.
Molecular consequence: missense variant.
Genome position (GRCh38, 1-based): chr19:53,824,015, G>C on the plus strand (C>G on the coding strand, the complement: NLRP12 is on the minus strand). VCF-style: chr19-53824015-G-C. GRCh37 (hg19) VCF-style: chr19-54327269-G-C.
Other names: c.160C>G, p.Leu54Val (NM_001277126.2, NM_001277129.1); short protein forms L54V.
Identifiers: ClinVar variation 861429 (VCV000861429.45), dbSNP rs764835509, ClinGen allele CA9639822.

ClinVar aggregate classification (germline): Uncertain significance. Review status: criteria provided, multiple submitters, no conflicts (2 of 4 stars). 2 submissions from 2 submitters: Uncertain significance (2). Last evaluated 2026-01-19.

Conditions:
Familial cold autoinflammatory syndrome 2 (FCAS2). Identifiers: Orphanet 247868, MedGen C2673198, MONDO:0012724, OMIM 611762.

Allele frequency attached by ClinVar (database versions not stated): gnomAD 0.00001; ExAC 0.00002; gnomAD exomes 0.00002; TOPMed 0.00002.
gnomAD v4.1: 78 of 1,614,058 alleles (0.0048%); highest among the groups gnomAD compares: Non-Finnish European, 0.0064%; no homozygotes.

Submissions (2):

Labcorp Genetics (formerly Invitae), Labcorp
Classification: Uncertain significance for Familial cold autoinflammatory syndrome 2. Last evaluated: 2026-01-19. Review status: criteria provided, single submitter. Criteria: Invitae Variant Classification Sherloc (09022015). Collection method: clinical testing. Allele origin: germline.
Comment: This sequence change replaces leucine, which is neutral and non-polar, with valine, which is neutral and non-polar, at codon 54 of the NLRP12 protein (p.Leu54Val). This variant is present in population databases (rs764835509, gnomAD 0.004%). This variant has not been reported in the literature in individuals affected with NLRP12-related conditions. ClinVar contains an entry for this variant (Variation ID: 861429). An algorithm developed to predict the effect of missense changes on protein structure and function (PolyPhen-2) suggests that this variant is likely to be disruptive. In summary, the available evidence is currently insufficient to determine the role of this variant in disease. Therefore, it has been classified as a Variant of Uncertain Significance.

CeGaT Center for Human Genetics Tuebingen
Classification: Uncertain significance. Last evaluated: 2020-11-01. Review status: criteria provided, single submitter. Criteria: CeGaT Center For Human Genetics Tuebingen Variant Classification Criteria Version 2. Collection method: clinical testing. Allele origin: germline. Affected: yes. Observed: 1 variant allele.